The following is an entry in ClinVar:

NM_212482.4(FN1):c.6824G>A (p.Arg2275Gln)

Gene: FN1 (fibronectin 1; minus strand). Cytogenetic location: 2q35.
Variant type: single nucleotide variant.
Coding change: c.6824G>A on transcript NM_212482.4 (MANE Select); coding-DNA position 6824, G replaced by A.
Protein change: p.Arg2275Gln; replaces arginine 2275 with glutamine.
Molecular consequence: missense variant.
Genome position (GRCh38, 1-based): chr2:215,370,323, C>T on the plus strand (G>A on the coding strand, the complement: FN1 is on the minus strand). VCF-style: chr2-215370323-C-T. GRCh37 (hg19) VCF-style: chr2-216235046-C-T.
Other names: p.Arg2275Gln; c.6731G>A, p.Arg2244Gln (NM_001306129.2); c.6194G>A, p.Arg2065Gln (NM_001306130.2); c.6188G>A, p.Arg2063Gln (NM_001306131.2); c.6113G>A, p.Arg2038Gln (NM_001306132.2); c.6554G>A, p.Arg2185Gln (NM_001365517.2); c.6551G>A, p.Arg2184Gln (NM_001365518.2); c.6479G>A, p.Arg2160Gln (NM_001365519.2); and 10 more; short protein forms R1974Q, R2038Q, R2063Q, R2064Q, R2065Q, R2069Q, R2094Q, R2128Q.
Identifiers: ClinVar variation 1169960 (VCV001169960.15), dbSNP rs6728999, ClinGen allele CA2093753.

ClinVar aggregate classification (germline): Benign. Review status: criteria provided, multiple submitters, no conflicts (2 of 4 stars). 5 submissions from 5 submitters: Benign (4). 1 of the submissions does not count toward it. Last evaluated 2026-01-27.

Conditions:
FN1-related disorder. Also called: FN1-related condition.

Allele frequency attached by ClinVar (database versions not stated): ESP Exome Variant Server 0.03506; 1000 Genomes Project 0.03514; TOPMed 0.03655; gnomAD 0.03184 and 0.03421; 1000 Genomes Project 30x 0.03716.
gnomAD v4.1: 9,808 of 1,613,828 alleles (0.61%); highest among the groups gnomAD compares: African/African-American, 11%; 496 homozygotes.

Submissions (5):

Labcorp Genetics (formerly Invitae), Labcorp
Classification: Benign. Last evaluated: 2026-01-27. Review status: criteria provided, single submitter. Criteria: Invitae Variant Classification Sherloc (09022015). Collection method: clinical testing. Allele origin: germline.

Mayo Clinic Laboratories, Mayo Clinic
Classification: Benign. Last evaluated: 2023-04-03. Review status: criteria provided, single submitter. Criteria: ACMG Guidelines, 2015. Collection method: clinical testing. Allele origin: germline. Observed: 9 variant alleles.

GeneDx
Classification: Benign. Last evaluated: 2020-01-06. Review status: criteria provided, single submitter. Criteria: GeneDx Variant Classification Process June 2021. Collection method: clinical testing. Allele origin: germline. Affected: yes.

Breakthrough Genomics
Classification: Benign. Review status: criteria provided, single submitter. Criteria: ACMG Guidelines, 2015. Collection method: not provided. Allele origin: germline. Inheritance: Autosomal dominant inheritance. Affected: yes.

PreventionGenetics, part of Exact Sciences
Classification: Benign for FN1-related condition. Last evaluated: 2020-01-29. Review status: no assertion criteria provided. Collection method: clinical testing. Allele origin: germline. Not counted in ClinVar's aggregate classification.
Comment: This variant is classified as benign based on ACMG/AMP sequence variant interpretation guidelines (Richards et al. 2015 PMID: 25741868, with internal and published modifications).